The following is an entry in ClinVar:

ClinVar aggregate classification (germline): Benign. Review status: criteria provided, multiple submitters, no conflicts (2 of 4 stars). 14 submissions from 14 submitters: Benign (9). 5 of the submissions do not count toward it. Last evaluated 2026-02-04.

Conditions:
Polyglandular autoimmune syndrome, type 1 (APS1). Also called: Autoimmune polyendocrinopathy syndrome, type I; Autoimmune polyendocrine syndrome type 1; Autoimmune polyendocrinopathy syndrome , type I, with or without reversible metaphyseal dysplasia; AUTOIMMUNE POLYENDOCRINE SYNDROME, TYPE I, WITH OR WITHOUT REVERSIBLE METAPHYSEAL DYSPLASIA; HYPOADRENOCORTICISM WITH HYPOPARATHYROIDISM AND SUPERFICIAL MONILIASIS; PGA I. Identifiers: Orphanet 3453, MedGen C0085859, MONDO:0009411, OMIM 240300.

Allele frequency attached by ClinVar (database versions not stated): gnomAD exomes 0.34982 and 0.36267; 1000 Genomes Project 0.35623; 1000 Genomes Project 30x 0.36212; ExAC 0.37799; TOPMed 0.38804; gnomAD 0.39210 and 0.39834; ESP Exome Variant Server 0.39350.
gnomAD v4.1: 588,488 of 1,609,302 alleles (37%); highest among the groups gnomAD compares: African/African-American, 49%; 109,045 homozygotes.

Submissions (14):

Labcorp Genetics (formerly Invitae), Labcorp
Classification: Benign for Polyglandular autoimmune syndrome, type 1. Last evaluated: 2026-02-04. Review status: criteria provided, single submitter. Criteria: Invitae Variant Classification Sherloc (09022015). Collection method: clinical testing. Allele origin: germline.

Blueprint Genetics
Classification: Benign. Last evaluated: 2024-11-28. Review status: criteria provided, single submitter. Criteria: ACMG Guidelines, 2015. Collection method: clinical testing. Allele origin: germline.

Unidad de Genómica Garrahan, Hospital de Pediatría Garrahan
Classification: Benign. Last evaluated: 2023-11-12. Review status: criteria provided, single submitter. Criteria: ACMG Guidelines, 2015. Collection method: clinical testing. Allele origin: germline. Affected: no. Observed: 39 variant alleles.
Comment: This variant is classified as Benign based on local population frequency. This variant was detected in 41% of patients studied by a panel of primary immunodeficiencies. Number of patients: 39. Only high quality variants are reported.

Mayo Clinic Laboratories, Mayo Clinic
Classification: Benign. Last evaluated: 2022-09-06. Review status: criteria provided, single submitter. Criteria: ACMG Guidelines, 2015. Collection method: clinical testing. Allele origin: germline. Observed: 404 variant alleles.

Genome-Nilou Lab
Classification: Benign for Polyglandular autoimmune syndrome, type 1. Last evaluated: 2021-07-10. Review status: criteria provided, single submitter. Criteria: ACMG Guidelines, 2015. Collection method: clinical testing. Allele origin: germline. Affected: no.

Athena Diagnostics
Classification: Benign. Last evaluated: 2017-07-26. Review status: criteria provided, single submitter. Criteria: Athena Diagnostics Criteria. Collection method: clinical testing. Allele origin: germline.

GeneDx
Classification: Benign. Last evaluated: 2015-03-03. Review status: criteria provided, single submitter. Criteria: GeneDx Variant Classification Process June 2021. Collection method: clinical testing. Allele origin: germline. Affected: yes.

Breakthrough Genomics
Classification: Benign. Review status: criteria provided, single submitter. Criteria: ACMG Guidelines, 2015. Collection method: not provided. Allele origin: germline. Inheritance: Autosomal recessive inheritance. Affected: yes.

PreventionGenetics, part of Exact Sciences
Classification: Benign. Review status: criteria provided, single submitter. Criteria: ACMG Guidelines, 2015. Collection method: clinical testing. Allele origin: germline.

Natera, Inc.
Classification: Benign for Polyglandular autoimmune syndrome type 1. Last evaluated: 2020-09-16. Review status: no assertion criteria provided. Collection method: clinical testing. Allele origin: germline. Not counted in ClinVar's aggregate classification.

Diagnostic Laboratory, Department of Genetics, University Medical Center Groningen
Classification: Benign. Review status: no assertion criteria provided. Collection method: clinical testing. Allele origin: germline. Affected: yes. Study: VKGL Data-share Consensus. Not counted in ClinVar's aggregate classification.

Genetic Services Laboratory, University of Chicago
Classification: Likely benign for AllHighlyPenetrant. Review status: no assertion criteria provided. Collection method: clinical testing. Allele origin: germline. Inheritance: Autosomal recessive inheritance. Not counted in ClinVar's aggregate classification.
Comment: Likely benign based on allele frequency in 1000 Genomes Project or ESP global frequency and its presence in a patient with a rare or unrelated disease phenotype. NOT Sanger confirmed.

Genome Diagnostics Laboratory, University Medical Center Utrecht
Classification: Benign. Review status: no assertion criteria provided. Collection method: clinical testing. Allele origin: germline. Affected: yes. Study: VKGL Data-share Consensus. Not counted in ClinVar's aggregate classification.

Joint Genome Diagnostic Labs from Nijmegen and Maastricht, Radboudumc and MUMC+
Classification: Benign. Review status: no assertion criteria provided. Collection method: clinical testing. Allele origin: germline. Affected: yes. Study: VKGL Data-share Consensus. Not counted in ClinVar's aggregate classification.

NM_000383.4(AIRE):c.1197T>C (p.Ala399=)

Gene: AIRE (autoimmune regulator; plus strand). Cytogenetic location: 21q22.3.
Variant type: single nucleotide variant.
Coding change: c.1197T>C on transcript NM_000383.4 (MANE Select); coding-DNA position 1197, T replaced by C.
Protein change: p.Ala399=; no amino-acid change (alanine 399 retained).
Molecular consequence: synonymous variant.
Genome position (GRCh38, 1-based): chr21:44,293,094, T>C. VCF-style: chr21-44293094-T-C. GRCh37 (hg19) VCF-style: chr21-45712977-T-C.
Other names: p.Ala399=; c.1197T>C (LRG_18t1).
Identifiers: ClinVar variation 128336 (VCV000128336.32), dbSNP rs1800521, ClinGen allele CA151726.
Genomic context (GRCh38, chr21:44,293,094, plus strand): 5'-TCCACCTGGGGAACCCCTAGCCGGCATGGACACGACTCTTGTCTACAAGCACCTGCCGGC[T>C]CCGCCTTCTGCAGCCCCGCTGCCAGGGCTGGACTCCTCGGCCCTGCACCCCCTACTGTGT-3'
Protein context (NP_000374.1, residues 389-409): DTTLVYKHLP[Ala399=]PPSAAPLPGL